The following is an entry in ClinVar:

ClinVar aggregate classification (germline): Uncertain significance (1 of 4 stars; one submission).

Submission:

GeneDx
Classification: Uncertain significance. Last evaluated: 2019-07-01. Review status: criteria provided, single submitter. Criteria: GeneDx Variant Classification Process June 2021. Collection method: clinical testing. Allele origin: germline. Affected: yes.
Comment: Not observed in large population cohorts (Lek et al., 2016); In silico analysis, which includes protein predictors and evolutionary conservation, supports that this variant does not alter protein structure/function; Has not been previously published as pathogenic or benign to our knowledge

NM_004171.4(SLC1A2):c.1265G>A (p.Gly422Glu)

Gene: SLC1A2 (solute carrier family 1 member 2; minus strand). Cytogenetic location: 11p13.
Variant type: single nucleotide variant.
Coding change: c.1265G>A on transcript NM_004171.4 (MANE Select); coding-DNA position 1265, G replaced by A.
Protein change: p.Gly422Glu; replaces glycine 422 with glutamic acid.
Molecular consequence: missense variant.
Genome position (GRCh38, 1-based): chr11:35,286,778, C>T on the plus strand (G>A on the coding strand, the complement: SLC1A2 is on the minus strand). VCF-style: chr11-35286778-C-T. GRCh37 (hg19) VCF-style: chr11-35308325-C-T.
Other names: c.1238G>A, p.Gly413Glu (NM_001195728.3, NM_001252652.2); short protein forms G413E, G422E.
Identifiers: ClinVar variation 1306885 (VCV001306885.2), dbSNP rs2134717681, ClinGen allele CA380122559.